The following is an entry in ClinVar:

ClinVar aggregate classification (germline): Pathogenic (1 of 4 stars; one submission).

Conditions:
Alport syndrome. Also called: Hemorrhagic familial nephritis; Hemorrhagic hereditary nephritis; Congenital hereditary hematuria. Identifiers: Orphanet 63, MedGen C1567741, MONDO:0018965.

Submission:

Myriad Genetics, Inc.
Classification: Pathogenic for Alport syndrome. Last evaluated: 2024-12-30. Review status: criteria provided, single submitter. Criteria: Myriad Autosomal Dominant, Autosomal Recessive and X-Linked Classification Criteria (2023). Collection method: clinical testing. Allele origin: unknown.
Comment: NM_000092.4(COL4A4):c.2799_2802dupAGAA(P935Rfs*29) is expected to be pathogenic in the context of Alport syndrome, COL4A4-related. This variant is predicted to lead to an abnormal or absent protein product due to the creation of a premature termination codon in COL4A4, a gene where loss-of-function variants are known to be pathogenic. Please note: this variant was assessed in the context of healthy population screening.

NM_000092.5(COL4A4):c.2799_2802dup (p.Pro935fs)

Gene: COL4A4 (collagen type IV alpha 4 chain; minus strand). Cytogenetic location: 2q36.3.
Variant type: Duplication.
Coding change: c.2799_2802dup on transcript NM_000092.5 (MANE Select); coding-DNA positions 2799 to 2802, 4 bases duplicated (AGAA; older notation c.2799_2802dupAGAA).
Protein change: p.Pro935fs; shifts the reading frame from proline 935.
Molecular consequence: frameshift variant.
Genome position (GRCh38, 1-based): chr2:227,054,652-227,054,655, TTCT duplicated on the plus strand (AGAA on the coding strand, the reverse complement: COL4A4 is on the minus strand). VCF-style (leftmost placement, unchanged base first): chr2-227054651-G-GTTCT. GRCh37 (hg19) VCF-style: chr2-227919367-G-GTTCT.
Other names: short protein forms P935fs.
Identifiers: ClinVar variation 5013897 (VCV005013897.1).